The following is an entry in ClinVar:

NM_000256.3(MYBPC3):c.2572_2573insAA (p.Ser858fs)

Gene: MYBPC3 (myosin binding protein C3; minus strand). Cytogenetic location: 11p11.2.
Variant type: Insertion.
Coding change: c.2572_2573insAA on transcript NM_000256.3 (MANE Select); coding-DNA positions 2572 to 2573, AA inserted.
Protein change: p.Ser858fs; shifts the reading frame from serine 858.
Molecular consequence: frameshift variant.
Genome position: GRCh38 VCF-style: chr11-47337420-C-CTT. GRCh37 (hg19) VCF-style: chr11-47358971-C-CTT.
Other names: c.2572_2573insAA, p.Ser858fs (LRG_386t1); short protein forms S858fs.
Identifiers: ClinVar variation 407322 (VCV000407322.9), dbSNP rs1060501481, ClinGen allele CA16613382.

ClinVar aggregate classification (germline): Pathogenic (1 of 4 stars; one submission).

Conditions:
Hypertrophic cardiomyopathy. Also called: HYPERTROPHIC MYOCARDIOPATHY. Identifiers: Orphanet 217569, MedGen C0007194, MeSH D002312, MONDO:0005045, HP:0001639.

Submission:

Labcorp Genetics (formerly Invitae), Labcorp
Classification: Pathogenic for Hypertrophic cardiomyopathy. Last evaluated: 2025-06-15. Review status: criteria provided, single submitter. Criteria: Invitae Variant Classification Sherloc (09022015). Collection method: clinical testing. Allele origin: germline.
Comment: This sequence change creates a premature translational stop signal (p.Ser858Lysfs*22) in the MYBPC3 gene. It is expected to result in an absent or disrupted protein product. Loss-of-function variants in MYBPC3 are known to be pathogenic (PMID: 19574547). This variant is not present in population databases (gnomAD no frequency). This variant has not been reported in the literature in individuals affected with MYBPC3-related conditions. ClinVar contains an entry for this variant (Variation ID: 407322). For these reasons, this variant has been classified as Pathogenic.

Literature cited by the submitters: PubMed 19574547.